The following is an entry in ClinVar:

ClinVar aggregate classification (germline): Uncertain significance (1 of 4 stars; one submission).

gnomAD v4.1: 2 of 1,614,152 alleles (0.00012%); highest among the groups gnomAD compares: Admixed American, 0.0017%; no homozygotes.

Submission:

Labcorp Genetics (formerly Invitae), Labcorp
Classification: Uncertain significance. Last evaluated: 2021-08-12. Review status: criteria provided, single submitter. Criteria: Invitae Variant Classification Sherloc (09022015). Collection method: clinical testing. Allele origin: germline.
Comment: Algorithms developed to predict the effect of missense changes on protein structure and function (SIFT, PolyPhen-2, Align-GVGD) all suggest that this variant is likely to be tolerated. This variant has not been reported in the literature in individuals affected with PSMB4-related conditions. This variant is not present in population databases (ExAC no frequency). This sequence change replaces arginine with proline at codon 89 of the PSMB4 protein (p.Arg89Pro). The arginine residue is weakly conserved and there is a moderate physicochemical difference between arginine and proline. In summary, the available evidence is currently insufficient to determine the role of this variant in disease. Therefore, it has been classified as a Variant of Uncertain Significance.

NM_002796.3(PSMB4):c.266G>C (p.Arg89Pro)

Gene: PSMB4 (proteasome 20S subunit beta 4; plus strand). Cytogenetic location: 1q21.3.
Variant type: single nucleotide variant.
Coding change: c.266G>C on transcript NM_002796.3 (MANE Select); coding-DNA position 266, G replaced by C.
Protein change: p.Arg89Pro; replaces arginine 89 with proline.
Molecular consequence: missense variant.
Genome position (GRCh38, 1-based): chr1:151,400,106, G>C. VCF-style: chr1-151400106-G-C. GRCh37 (hg19) VCF-style: chr1-151372582-G-C.
Other names: short protein forms R89P.
Identifiers: ClinVar variation 1510064 (VCV001510064.6), dbSNP rs1229910486, ClinGen allele CA341921360.